The following is an entry in ClinVar:

ClinVar aggregate classification (germline): Uncertain significance. Review status: criteria provided, multiple submitters, no conflicts (2 of 4 stars). 2 submissions from 2 submitters: Uncertain significance (2). Last evaluated 2025-06-14.

Conditions:
Joubert syndrome 14 (JBTS14). Identifiers: MedGen C3280766, MONDO:0013745, OMIM 614424.

Allele frequency attached by ClinVar (database versions not stated): TOPMed below 0.00001; gnomAD exomes 0.00001 and 0.00003; ExAC 0.00003.
gnomAD v4.1: 5 of 1,583,340 alleles (0.00032%); highest among the groups gnomAD compares: Admixed American, 0.0091%; no homozygotes.

Submissions (2):

Labcorp Genetics (formerly Invitae), Labcorp
Classification: Uncertain significance for Joubert syndrome 14. Last evaluated: 2025-06-14. Review status: criteria provided, single submitter. Criteria: Invitae Variant Classification Sherloc (09022015). Collection method: clinical testing. Allele origin: germline.
Comment: This sequence change replaces lysine, which is basic and polar, with threonine, which is neutral and polar, at codon 35 of the TMEM237 protein (p.Lys35Thr). This variant is present in population databases (rs776825848, gnomAD 0.02%). This variant has not been reported in the literature in individuals affected with TMEM237-related conditions. ClinVar contains an entry for this variant (Variation ID: 1348247). Invitae Evidence Modeling of protein sequence and biophysical properties (such as structural, functional, and spatial information, amino acid conservation, physicochemical variation, residue mobility, and thermodynamic stability) indicates that this missense variant is not expected to disrupt TMEM237 protein function with a negative predictive value of 80%. In summary, the available evidence is currently insufficient to determine the role of this variant in disease. Therefore, it has been classified as a Variant of Uncertain Significance.

Fulgent Genetics
Classification: Uncertain significance for Joubert syndrome 14. Last evaluated: 2024-06-20. Review status: criteria provided, single submitter. Criteria: ACMG Guidelines, 2015. Collection method: clinical testing. Allele origin: germline.

NM_001044385.3(TMEM237):c.104A>C (p.Lys35Thr)

Gene: TMEM237 (transmembrane protein 237; minus strand). Cytogenetic location: 2q33.1.
Variant type: single nucleotide variant.
Coding change: c.104A>C on transcript NM_001044385.3 (MANE Select); coding-DNA position 104, A replaced by C.
Protein change: p.Lys35Thr; replaces lysine 35 with threonine.
Molecular consequence: missense variant.
Genome position (GRCh38, 1-based): chr2:201,639,021, T>G on the plus strand (A>C on the coding strand, the complement: TMEM237 is on the minus strand). VCF-style: chr2-201639021-T-G. GRCh37 (hg19) VCF-style: chr2-202503744-T-G.
Other names: c.80A>C, p.Lys27Thr (NM_152388.4); short protein forms K27T, K35T.
Identifiers: ClinVar variation 1348247 (VCV001348247.7), dbSNP rs776825848, ClinGen allele CA2056580.